The following is an entry in ClinVar:

ClinVar aggregate classification (germline): Likely pathogenic (1 of 4 stars; one submission).

Conditions:
Combined oxidative phosphorylation deficiency 41. Identifiers: MedGen C5394236, MONDO:0030007, OMIM 618838.

Submission:

Variantyx, Inc.
Classification: Likely pathogenic for Combined oxidative phosphorylation deficiency 41. Last evaluated: 2025-04-14. Review status: criteria provided, single submitter. Criteria: Variantyx Assertion Criteria 2022. Collection method: clinical testing. Allele origin: germline. Inheritance: Autosomal recessive inheritance. Affected: no.
Comment: This is a frameshift variant in the GATB gene (OMIM: 603645). Pathogenic variants in this gene have been associated with autosomal recessive combined oxidative phosphorylation deficiency 41 (provisional association). This variant introduces a premature termination codon in exon 5 out of 13 and is expected to result in loss of function, which is a known disease mechanism for GATB in this disorder (PMID: 30283131) (PVS1). This variant has a 0.0024% maximum allele frequency in non-founder control populations (PM2) and has not been reported in individuals with GATB-related disorders in the databases available for review. Based on the current evidence, this variant is classified as likely pathogenic for autosomal recessive combined oxidative phosphorylation deficiency 41 (provisional association).

Literature cited by the submitters: PubMed 30283131.

NM_004564.3(GATB):c.741del (p.Thr248fs)

Gene: GATB (glutamyl-tRNA amidotransferase subunit B; minus strand). Cytogenetic location: 4q31.3.
Variant type: Deletion.
Coding change: c.741del on transcript NM_004564.3 (MANE Select); coding-DNA position 741, one base deleted (G; older notation c.741delG).
Protein change: p.Thr248fs; shifts the reading frame from threonine 248.
Molecular consequence: frameshift variant.
Genome position (GRCh38, 1-based): chr4:151,716,031, C deleted on the plus strand (G on the coding strand, the reverse complement: GATB is on the minus strand); the first of 4 consecutive C bases (chr4:151,716,031-151,716,034); deleting any one gives the same sequence. VCF-style (leftmost placement, unchanged base first): chr4-151716030-TC-T. GRCh37 (hg19) VCF-style: chr4-152637182-TC-T.
Other names: c.741del, p.Thr248fs (NM_001363341.2); short protein forms T248fs.
Identifiers: ClinVar variation 4813760 (VCV004813760.1).